The following is an entry in ClinVar:

ClinVar aggregate classification (germline): Pathogenic. Review status: criteria provided, multiple submitters, no conflicts (2 of 4 stars). 3 submissions from 3 submitters: Pathogenic (3). Last evaluated 2024-10-13.

Conditions:
Hypophosphatemic rickets, autosomal recessive, 2 (ARHR2). Identifiers: Orphanet 289176, MedGen C2750078, MONDO:0013219, OMIM 613312.
Type 2 diabetes mellitus. Also called: Type II diabetes mellitus. Identifiers: MedGen C0011860, MeSH D003924, MONDO:0005148, OMIM 125853, HP:0005978.
Arterial calcification, generalized, of infancy, 1 (GACI1). Also called: Idiopathic Infantile Arterial Calcification. Identifiers: Orphanet 51608, MedGen C4551985, MONDO:0008817, OMIM 208000.
Inherited obesity. Also called: Monogenic Obesity. Identifiers: Orphanet 77828, MedGen C4054476, MONDO:0019182, OMIM 601665.
Hypopigmentation-punctate palmoplantar keratoderma syndrome. Also called: GUTTATE HYPOPIGMENTATION AND PUNCTATE PALMOPLANTAR KERATODERMA WITH OR WITHOUT ECTOPIC CALCIFICATION; Cole disease. Identifiers: Orphanet 324561, MedGen C3809781, MONDO:0014227, OMIM 615522.
ENPP1-related disorder. Also called: ENPP1-related disorders; ENPP1-related condition.

gnomAD v4.1: 34 of 1,588,520 alleles (0.0021%); highest among the groups gnomAD compares: Non-Finnish European, 0.0027%; no homozygotes.

Submissions (3):

Labcorp Genetics (formerly Invitae), Labcorp
Classification: Pathogenic. Last evaluated: 2024-10-13. Review status: criteria provided, single submitter. Criteria: Invitae Variant Classification Sherloc (09022015). Collection method: clinical testing. Allele origin: germline.
Comment: This sequence change creates a premature translational stop signal (p.Arg476*) in the ENPP1 gene. It is expected to result in an absent or disrupted protein product. Loss-of-function variants in ENPP1 are known to be pathogenic (PMID: 12881724, 15605415, 16369898, 20016754, 20137773, 22539483). This variant is present in population databases (no rsID available, gnomAD 0.003%). This premature translational stop signal has been observed in individual(s) with autosomal recessive generalized arterial calcification of infancy (PMID: 20016754). For these reasons, this variant has been classified as Pathogenic.

Fulgent Genetics
Classification: Pathogenic for Type 2 diabetes mellitus; Arterial calcification, generalized, of infancy, 1; Inherited obesity; Hypophosphatemic rickets, autosomal recessive, 2; Hypopigmentation-punctate palmoplantar keratoderma syndrome. Last evaluated: 2024-05-28. Review status: criteria provided, single submitter. Criteria: ACMG Guidelines, 2015. Collection method: clinical testing. Allele origin: germline.

Blueprint Genetics
Classification: Pathogenic for ENPP1-related disorders. Last evaluated: 2023-04-03. Review status: criteria provided, single submitter. Criteria: ACMG Guidelines, 2015. Collection method: clinical testing. Allele origin: germline. Affected: yes. Observed: 2 variant alleles.

Literature cited by the submitters: PubMed 12881724 (cited by Labcorp Genetics (formerly Invitae), Labcorp); PubMed 15605415 (cited by Labcorp Genetics (formerly Invitae), Labcorp); PubMed 16369898 (cited by Labcorp Genetics (formerly Invitae), Labcorp); PubMed 20016754 (cited by Labcorp Genetics (formerly Invitae), Labcorp); PubMed 20137773 (cited by Labcorp Genetics (formerly Invitae), Labcorp); PubMed 22539483 (cited by Labcorp Genetics (formerly Invitae), Labcorp).

NM_006208.3(ENPP1):c.1426C>T (p.Arg476Ter)

Gene: ENPP1 (ectonucleotide pyrophosphatase/phosphodiesterase 1; plus strand). Cytogenetic location: 6q23.2.
Variant type: single nucleotide variant.
Coding change: c.1426C>T on transcript NM_006208.3 (MANE Select); coding-DNA position 1426, C replaced by T.
Protein change: p.Arg476Ter; replaces arginine 476 with a stop codon.
Molecular consequence: nonsense.
Genome position (GRCh38, 1-based): chr6:131,872,090, C>T. VCF-style: chr6-131872090-C-T. GRCh37 (hg19) VCF-style: chr6-132193230-C-T.
Other names: short protein forms R476*.
Identifiers: ClinVar variation 3593077 (VCV003593077.4).